The following is an entry in ClinVar:

ClinVar aggregate classification (germline): Uncertain significance. Review status: criteria provided, multiple submitters, no conflicts (2 of 4 stars). 2 submissions from 2 submitters: Uncertain significance (2). Last evaluated 2023-08-10.

Conditions:
Inborn genetic diseases. Identifiers: MedGen C0950123, MeSH D030342.

gnomAD v4.1: 13 of 1,614,052 alleles (0.00081%); highest among the groups gnomAD compares: Non-Finnish European, 0.00017%; no homozygotes.

Submissions (2):

Ambry Genetics
Classification: Uncertain significance for Inborn genetic diseases. Last evaluated: 2023-08-10. Review status: criteria provided, single submitter. Criteria: Ambry Variant Classification Scheme 2023. Collection method: clinical testing. Allele origin: germline.

Labcorp Genetics (formerly Invitae), Labcorp
Classification: Uncertain significance. Last evaluated: 2021-10-31. Review status: criteria provided, single submitter. Criteria: Invitae Variant Classification Sherloc (09022015). Collection method: clinical testing. Allele origin: germline.
Comment: This sequence change replaces valine, which is neutral and non-polar, with isoleucine, which is neutral and non-polar, at codon 841 of the HPS5 protein (p.Val841Ile). This variant is present in population databases (no rsID available, gnomAD 0.03%). This variant has not been reported in the literature in individuals affected with HPS5-related conditions. Algorithms developed to predict the effect of missense changes on protein structure and function output the following: SIFT: "Tolerated"; PolyPhen-2: "Benign"; Align-GVGD: "Class C0". The isoleucine amino acid residue is found in multiple mammalian species, which suggests that this missense change does not adversely affect protein function. In summary, the available evidence is currently insufficient to determine the role of this variant in disease. Therefore, it has been classified as a Variant of Uncertain Significance.

NM_181507.2(HPS5):c.2521G>A (p.Val841Ile)

Gene: HPS5 (HPS5 biogenesis of lysosomal organelles complex 2 subunit 2; minus strand). Cytogenetic location: 11p15.1.
Variant type: single nucleotide variant.
Coding change: c.2521G>A on transcript NM_181507.2 (MANE Select); coding-DNA position 2521, G replaced by A.
Protein change: p.Val841Ile; replaces valine 841 with isoleucine.
Molecular consequence: missense variant.
Genome position (GRCh38, 1-based): chr11:18,287,933, C>T on the plus strand (G>A on the coding strand, the complement: HPS5 is on the minus strand). VCF-style: chr11-18287933-C-T. GRCh37 (hg19) VCF-style: chr11-18309480-C-T.
Other names: c.2179G>A, p.Val727Ile (NM_007216.4, NM_181508.2); short protein forms V727I, V841I.
Identifiers: ClinVar variation 1490749 (VCV001490749.5), dbSNP rs142090060, ClinGen allele CA379520342.